The following is an entry in ClinVar:

NM_001103.4(ACTN2):c.2605T>G (p.Tyr869Asp)

Gene: ACTN2 (actinin alpha 2; plus strand). Cytogenetic location: 1q43.
Variant type: single nucleotide variant.
Coding change: c.2605T>G on transcript NM_001103.4 (MANE Select); coding-DNA position 2605, T replaced by G.
Protein change: p.Tyr869Asp; replaces tyrosine 869 with aspartic acid.
Molecular consequence: missense variant. On other transcripts: non-coding transcript variant (1).
Genome position (GRCh38, 1-based): chr1:236,762,539, T>G. VCF-style: chr1-236762539-T-G. GRCh37 (hg19) VCF-style: chr1-236925839-T-G.
Other names: c.2605T>G (NM_001103.3); c.2605T>G, p.Tyr869Asp (NM_001278343.2); short protein forms Y869D.
Identifiers: ClinVar variation 3763817 (VCV003763817.3).
Genomic context (GRCh38, chr1:236,762,539, plus strand): 5'-GAGCTGCGTCGGGAGCTGCCCCCGGATCAGGCCCAGTACTGCATCAAGAGGATGCCCGCC[T>G]ACTCGGGCCCAGGCAGTGTGCCTGGTGCACTGGATTACGCTGCGTTCTCTTCCGCACTCT-3'
Protein context (NP_001094.1, residues 859-879): AQYCIKRMPA[Tyr869Asp]SGPGSVPGAL

ClinVar aggregate classification (germline): Uncertain significance. Review status: criteria provided, multiple submitters, no conflicts (2 of 4 stars). 2 submissions from 2 submitters: Uncertain significance (2). Last evaluated 2025-06-06.

Conditions:
Primary familial hypertrophic cardiomyopathy (HCM). Identifiers: Orphanet 99739, MedGen C0949658, MeSH D024741, MONDO:0024573. Inheritance: Various modes of inheritance.
Dilated cardiomyopathy 1AA (CMD1AA). Also called: Cardiomyopathy, dilated, 1AA, with or without LVNC; CARDIOMYOPATHY, DILATED, 1AA, WITH OR WITHOUT LEFT VENTRICULAR NONCOMPACTION; CARDIOMYOPATHY, FAMILIAL HYPERTROPHIC, 23, WITH OR WITHOUT LEFT VENTRICULAR NONCOMPACTION. Identifiers: Orphanet 154, MedGen C2677338, MONDO:0012808, OMIM 612158.

gnomAD v4.1: 1 of 1,614,184 alleles (0.000062%); highest among the groups gnomAD compares: South Asian, 0.0011%; no homozygotes.

Submissions (2):

Revvity Omics, Revvity
Classification: Uncertain significance. Last evaluated: 2025-06-06. Review status: criteria provided, single submitter. Criteria: ACMG Guidelines, 2015. Collection method: clinical testing. Allele origin: germline.

Labcorp Genetics (formerly Invitae), Labcorp
Classification: Uncertain significance for Primary familial hypertrophic cardiomyopathy; Dilated cardiomyopathy 1AA. Last evaluated: 2024-04-26. Review status: criteria provided, single submitter. Criteria: Invitae Variant Classification Sherloc (09022015). Collection method: clinical testing. Allele origin: germline.
Comment: This sequence change replaces tyrosine, which is neutral and polar, with aspartic acid, which is acidic and polar, at codon 869 of the ACTN2 protein (p.Tyr869Asp). This variant is not present in population databases (gnomAD no frequency). This variant has not been reported in the literature in individuals affected with ACTN2-related conditions. An algorithm developed to predict the effect of missense changes on protein structure and function (PolyPhen-2) suggests that this variant is likely to be tolerated. In summary, the available evidence is currently insufficient to determine the role of this variant in disease. Therefore, it has been classified as a Variant of Uncertain Significance.